The following is an entry in ClinVar:

ClinVar aggregate classification (germline): Uncertain significance. Review status: criteria provided, multiple submitters, no conflicts (2 of 4 stars). 3 submissions from 3 submitters: Uncertain significance (3). Last evaluated 2024-08-28.

Allele frequency attached by ClinVar (database versions not stated): TOPMed below 0.00001; gnomAD 0.00001; gnomAD exomes 0.00001.
gnomAD v4.1: 7 of 1,167,038 alleles (0.0006%); highest among the groups gnomAD compares: East Asian, 0.0093%; no homozygotes.

Submissions (3):

Ambry Genetics
Classification: Uncertain significance. Last evaluated: 2024-08-28. Review status: criteria provided, single submitter. Criteria: Ambry Variant Classification Scheme 2023. Collection method: clinical testing. Allele origin: germline.

Labcorp Genetics (formerly Invitae), Labcorp
Classification: Uncertain significance. Last evaluated: 2024-02-17. Review status: criteria provided, single submitter. Criteria: Invitae Variant Classification Sherloc (09022015). Collection method: clinical testing. Allele origin: germline.
Comment: This sequence change replaces glycine, which is neutral and non-polar, with serine, which is neutral and polar, at codon 486 of the COL4A6 protein (p.Gly486Ser). This variant is not present in population databases (gnomAD no frequency). This variant has not been reported in the literature in individuals affected with COL4A6-related conditions. ClinVar contains an entry for this variant (Variation ID: 1905290). Advanced modeling of protein sequence and biophysical properties (such as structural, functional, and spatial information, amino acid conservation, physicochemical variation, residue mobility, and thermodynamic stability) performed at Invitae indicates that this missense variant is expected to disrupt COL4A6 protein function with a positive predictive value of 80%. In summary, the available evidence is currently insufficient to determine the role of this variant in disease. Therefore, it has been classified as a Variant of Uncertain Significance.

Blueprint Genetics
Classification: Uncertain significance. Last evaluated: 2022-06-08. Review status: criteria provided, single submitter. Criteria: ACMG Guidelines, 2015. Collection method: clinical testing. Allele origin: germline.

NM_033641.4(COL4A6):c.1453G>A (p.Gly485Ser)

Gene: COL4A6 (collagen type IV alpha 6 chain; minus strand). Cytogenetic location: Xq22.3.
Variant type: single nucleotide variant.
Coding change: c.1453G>A on transcript NM_033641.4 (MANE Select); coding-DNA position 1453, G replaced by A.
Protein change: p.Gly485Ser; replaces glycine 485 with serine.
Molecular consequence: missense variant.
Genome position (GRCh38, 1-based): chrX:108,188,651, C>T on the plus strand (G>A on the coding strand, the complement: COL4A6 is on the minus strand). VCF-style: chrX-108188651-C-T. GRCh37 (hg19) VCF-style: chrX-107431881-C-T.
Other names: c.1453G>A, p.Gly485Ser (NM_001287758.2, NM_001287759.2, NM_001287760.2); c.1456G>A, p.Gly486Ser (NM_001847.4); c.1456G>A (NM_001847.2); short protein forms G485S, G486S.
Identifiers: ClinVar variation 1905290 (VCV001905290.7), dbSNP rs1295084851, ClinGen allele CA413860905.